The following is an entry in ClinVar:

NM_198253.3(TERT):c.1487C>G (p.Ser496Cys)

Gene: TERT (telomerase reverse transcriptase; minus strand). Cytogenetic location: 5p15.33.
Variant type: single nucleotide variant.
Coding change: c.1487C>G on transcript NM_198253.3 (MANE Select); coding-DNA position 1487, C replaced by G.
Protein change: p.Ser496Cys; replaces serine 496 with cysteine.
Molecular consequence: missense variant. On other transcripts: non-coding transcript variant (2).
Genome position (GRCh38, 1-based): chr5:1,293,399, G>C on the plus strand (C>G on the coding strand, the complement: TERT is on the minus strand). VCF-style: chr5-1293399-G-C. GRCh37 (hg19) VCF-style: chr5-1293514-G-C.
Other names: c.1487C>G, p.Ser496Cys (NM_001193376.3, NM_003219.1); short protein forms S496C.
Identifiers: ClinVar variation 1773690 (VCV001773690.2), dbSNP rs143499386, ClinGen allele CA359085373.

ClinVar aggregate classification (germline): Uncertain significance (1 of 4 stars; one submission).

Conditions:
Dyskeratosis congenita. Identifiers: Orphanet 1775, MedGen C0265965, MONDO:0015780.

Allele frequency attached by ClinVar (database versions not stated): gnomAD exomes below 0.00001.
gnomAD v4.1: 1 of 1,613,298 alleles (0.000062%); highest among the groups gnomAD compares: Non-Finnish European, 0.000085%; no homozygotes.

Submission:

Ambry Genetics
Classification: Uncertain significance for Dyskeratosis congenita. Last evaluated: 2022-04-10. Review status: criteria provided, single submitter. Criteria: Ambry Variant Classification Scheme 2023. Collection method: clinical testing. Allele origin: germline.
Comment: The p.S496C variant (also known as c.1487C>G), located in coding exon 2 of the TERT gene, results from a C to G substitution at nucleotide position 1487. The serine at codon 496 is replaced by cysteine, an amino acid with dissimilar properties. This amino acid position is conserved. In addition, the in silico prediction for this alteration is inconclusive. Since supporting evidence is limited at this time, the clinical significance of this alteration remains unclear.